The following is an entry in ClinVar:

NM_000090.4(COL3A1):c.3869T>C (p.Ile1290Thr)

Gene: COL3A1 (collagen type III alpha 1 chain; plus strand). Cytogenetic location: 2q32.2.
Variant type: single nucleotide variant.
Coding change: c.3869T>C on transcript NM_000090.4 (MANE Select); coding-DNA position 3869, T replaced by C.
Protein change: p.Ile1290Thr; replaces isoleucine 1290 with threonine.
Molecular consequence: missense variant.
Genome position (GRCh38, 1-based): chr2:189,010,223, T>C. VCF-style: chr2-189010223-T-C. GRCh37 (hg19) VCF-style: chr2-189874949-T-C.
Other names: short protein forms I1290T.
Identifiers: ClinVar variation 924552 (VCV000924552.15), dbSNP rs1688690716, ClinGen allele CA349848530.

ClinVar aggregate classification (germline): Uncertain significance. Review status: criteria provided, multiple submitters, no conflicts (2 of 4 stars). 4 submissions from 4 submitters: Uncertain significance (4). Last evaluated 2025-11-08.

Conditions:
Familial thoracic aortic aneurysm and aortic dissection (TAAD). Also called: Thoracic aortic aneurysms and dissections. Identifiers: Orphanet 91387, MedGen C4707243, MONDO:0019625.
Ehlers-Danlos syndrome, type 4 (EDSVASC). Also called: Ehlers-Danlos Syndrome Type IV; Ehlers-Danlos syndrome vascular type; Ehlers Danlos syndrome, ecchymotic type; Ehlers Danlos syndrome, arterial type; Ehlers Danlos syndrome, Sack-Barabas type. Identifiers: Orphanet 286, MedGen C0268338, MONDO:0017314, OMIM 130050.

Allele frequency attached by ClinVar (database versions not stated): gnomAD exomes below 0.00001.
gnomAD v4.1: 3 of 1,614,182 alleles (0.00019%); highest among the groups gnomAD compares: Non-Finnish European, 0.00025%; no homozygotes.

Submissions (4):

GeneDx
Classification: Uncertain significance. Last evaluated: 2025-11-08. Review status: criteria provided, single submitter. Criteria: GeneDx Variant Classification Process June 2021. Collection method: clinical testing. Allele origin: germline.
Comment: Not observed at significant frequency in large population cohorts (gnomAD); In silico analysis supports that this missense variant has a deleterious effect on protein structure/function; Not located in the triple helical region, where the majority of pathogenic missense variants occur (HGMD); This variant is associated with the following publications: (PMID: 27146836)

All of Us Research Program, National Institutes of Health
Classification: Uncertain significance for Ehlers-Danlos syndrome, type 4. Last evaluated: 2024-08-13. Review status: criteria provided, single submitter. Criteria: ACMG Guidelines, 2015. Collection method: clinical testing. Allele origin: germline. Inheritance: Autosomal dominant inheritance. Observed: 5 variant alleles, 5 heterozygotes.
Comment: This missense variant replaces isoleucine with threonine at codon 1290 of the COL3A1 protein. Computational prediction suggests that this variant may have deleterious impact on protein structure and function (internally defined REVEL score threshold >= 0.7, PMID: 27666373). To our knowledge, functional studies have not been performed for this variant. This variant has been reported in three related individuals affected with thoracic aortic aneurysm and dissection and in one unaffected adult family member (PMID: 27146836). This variant has not been identified in the general population by the Genome Aggregation Database (gnomAD). The available evidence is insufficient to determine the role of this variant in disease conclusively. Therefore, this variant is classified as a Variant of Uncertain Significance.

This study involves interpretation of variants in research participants for the purpose of population health screening. Participant phenotype was not available at the time of variant classification. Additional details can be found in publication PMID: 35346344, PMCID: PMC8962531

Color Diagnostics, LLC DBA Color Health
Classification: Uncertain significance for Familial thoracic aortic aneurysm and aortic dissection. Last evaluated: 2024-07-24. Review status: criteria provided, single submitter. Criteria: ACMG Guidelines, 2015. Collection method: clinical testing. Allele origin: germline.
Comment: This missense variant replaces isoleucine with threonine at codon 1290 of the COL3A1 protein. Computational prediction suggests that this variant may have deleterious impact on protein structure and function. To our knowledge, functional studies have not been reported for this variant. This variant has been reported in three related individuals affected with thoracic aortic aneurysm and dissection and in one unaffected adult family member (PMID: 27146836). This variant has not been identified in the general population by the Genome Aggregation Database (gnomAD). The available evidence is insufficient to determine the role of this variant in disease conclusively. Therefore, this variant is classified as a Variant of Uncertain Significance.

Labcorp Genetics (formerly Invitae), Labcorp
Classification: Uncertain significance for Ehlers-Danlos syndrome, type 4. Last evaluated: 2021-01-13. Review status: criteria provided, single submitter. Criteria: Invitae Variant Classification Sherloc (09022015). Collection method: clinical testing. Allele origin: germline.
Comment: In summary, the available evidence is currently insufficient to determine the role of this variant in disease. Therefore, it has been classified as a Variant of Uncertain Significance. This sequence change replaces isoleucine with threonine at codon 1290 of the COL3A1 protein (p.Ile1290Thr). The isoleucine residue is highly conserved and there is a moderate physicochemical difference between isoleucine and threonine. This variant is not present in population databases (ExAC no frequency). This variant has been observed in individual(s) with thoracic aortic aneurysm and/or dissection (PMID: 27146836). ClinVar contains an entry for this variant (Variation ID: 924552). Advanced modeling of protein sequence and biophysical properties (such as structural, functional, and spatial information, amino acid conservation, physicochemical variation, residue mobility, and thermodynamic stability) performed at Invitae indicates that this missense variant is expected to disrupt COL3A1 protein function.

Literature cited by the submitters: PubMed 27146836 (cited by 3 submitters).